The following is an entry in ClinVar:

ClinVar aggregate classification (germline): Pathogenic/Likely pathogenic. Review status: criteria provided, multiple submitters, no conflicts (2 of 4 stars). 2 submissions from 2 submitters: Pathogenic (1); Likely pathogenic (1). Last evaluated 2025-02-27.

Conditions:
Hypophosphatasia. Also called: Phosphoethanol-aminuria. Identifiers: Orphanet 436, MedGen C0020630, MeSH D007014, MONDO:0018570.

Submissions (2):

JKU Lab, Dept of Paediatrics, Johannes Kepler University
Classification: Likely pathogenic for Hypophosphatasia. Last evaluated: 2025-02-27. Review status: criteria provided, single submitter. Criteria: ACMG Guidelines, 2015. Collection method: clinical testing. Allele origin: germline. Affected: yes.
Comment: This missense variant is not present in GnomAD 4.1 and affects a weakly conserved amino acid in the Active site proximity. The variant is predicted to affect protein function (REVEL score: 0.918). Splice-prediction algorithms predict no effect on splicing. The applied ACMG criteria can be viewed at an online resource

Labcorp Genetics (formerly Invitae), Labcorp
Classification: Pathogenic. Last evaluated: 2023-03-09. Review status: criteria provided, single submitter. Criteria: Invitae Variant Classification Sherloc (09022015). Collection method: clinical testing. Allele origin: germline.
Comment: For these reasons, this variant has been classified as Pathogenic. This variant disrupts the p.Phe327 amino acid residue in ALPL. Other variant(s) that disrupt this residue have been determined to be pathogenic (Invitae). This suggests that this residue is clinically significant, and that variants that disrupt this residue are likely to be disease-causing. Advanced modeling of protein sequence and biophysical properties (such as structural, functional, and spatial information, amino acid conservation, physicochemical variation, residue mobility, and thermodynamic stability) performed at Invitae indicates that this missense variant is expected to disrupt ALPL protein function. This missense change has been observed in individuals with autosomal recessive hypophosphatasia (PMID: 8954059, 9814472, 12412800, 15660230). This variant is not present in population databases (gnomAD no frequency). This sequence change replaces phenylalanine, which is neutral and non-polar, with leucine, which is neutral and non-polar, at codon 327 of the ALPL protein (p.Phe327Leu).

Literature cited by the submitters: PubMed 8954059 (cited by Labcorp Genetics (formerly Invitae), Labcorp); PubMed 9814472 (cited by Labcorp Genetics (formerly Invitae), Labcorp); PubMed 12412800 (cited by Labcorp Genetics (formerly Invitae), Labcorp); PubMed 15660230 (cited by Labcorp Genetics (formerly Invitae), Labcorp).

NM_000478.6(ALPL):c.981C>G (p.Phe327Leu)

Gene: ALPL (alkaline phosphatase, biomineralization associated; plus strand). Cytogenetic location: 1p36.12.
Variant type: single nucleotide variant.
Coding change: c.981C>G on transcript NM_000478.6 (MANE Select); coding-DNA position 981, C replaced by G.
Protein change: p.Phe327Leu; replaces phenylalanine 327 with leucine.
Molecular consequence: missense variant.
Genome position (GRCh38, 1-based): chr1:21,573,783, C>G. VCF-style: chr1-21573783-C-G. GRCh37 (hg19) VCF-style: chr1-21900276-C-G.
Other names: c.816C>G, p.Phe272Leu (NM_001127501.4); c.750C>G, p.Phe250Leu (NM_001177520.3); c.981C>G, p.Phe327Leu (NM_001369803.2, NM_001369804.2, NM_001369805.2); short protein forms F250L, F327L, F272L.
Identifiers: ClinVar variation 2840424 (VCV002840424.4), dbSNP rs2545335005, ClinGen allele CA338880412.